The following is an entry in ClinVar:

ClinVar aggregate classification (germline): Uncertain significance (1 of 4 stars; one submission).

Submission:

Labcorp Genetics (formerly Invitae), Labcorp
Classification: Uncertain significance. Last evaluated: 2021-04-06. Review status: criteria provided, single submitter. Criteria: Invitae Variant Classification Sherloc (09022015). Collection method: clinical testing. Allele origin: germline.
Comment: In summary, the available evidence is currently insufficient to determine the role of this variant in disease. Therefore, it has been classified as a Variant of Uncertain Significance. Algorithms developed to predict the effect of missense changes on protein structure and function are either unavailable or do not agree on the potential impact of this missense change (SIFT: "Tolerated"; PolyPhen-2: "Probably Damaging"; Align-GVGD: "Class C0"). This variant has not been reported in the literature in individuals with GSN-related conditions. The frequency data for this variant in the population databases is considered unreliable, as metrics indicate insufficient coverage at this position in the ExAC database. This sequence change replaces cysteine with tyrosine at codon 19 of the GSN protein (p.Cys19Tyr). The cysteine residue is weakly conserved and there is a large physicochemical difference between cysteine and tyrosine.

NM_198252.3(GSN):c.-9-2046G>A

Gene: GSN (gelsolin; plus strand). Cytogenetic location: 9q33.2.
Variant type: single nucleotide variant.
Coding change: c.-9-2046G>A on transcript NM_198252.3 (MANE Select); 2046 bases into the intron before 9 bases upstream of the start codon, G replaced by A.
Molecular consequence: intron variant. On other transcripts: missense variant (1).
Genome position (GRCh38, 1-based): chr9:121,299,917, G>A. VCF-style: chr9-121299917-G-A. GRCh37 (hg19) VCF-style: chr9-124062195-G-A.
Other names: c.56G>A, p.Cys19Tyr (NM_000177.5); c.-9-2046G>A (NM_001353054.1, NM_001353053.1, NM_001353060.2 and 5 more transcripts); c.-47-139G>A (NM_001353064.2, NM_001353066.2, NM_001353072.2 and 8 more transcripts); c.-1-2054G>A (NM_001353058.2, NM_001353059.2, NM_001353056.2 and 1 more transcripts); c.-38-148G>A (NM_001353073.2, NM_001353065.2, NM_001353068.2 and 2 more transcripts); c.100-2046G>A (NM_001127663.2); c.-32-154G>A (NM_001353070.2); c.-48-2007G>A (NM_001353055.2); and 3 more; short protein forms C19Y.
Identifiers: ClinVar variation 1385473 (VCV001385473.8), dbSNP rs1306972736, ClinGen allele CA374751700.